The following is an entry in ClinVar:

ClinVar aggregate classification (germline): Conflicting classifications of pathogenicity. Review status: criteria provided, conflicting classifications (1 of 4 stars). 4 submissions from 4 submitters: Uncertain significance (3); Likely benign (1). Last evaluated 2025-09-04.

Conditions:
Inborn genetic diseases. Identifiers: MedGen C0950123, MeSH D030342.
Macrothrombocytopenia and granulocyte inclusions with or without nephritis or sensorineural hearing loss (MATINS). Also called: MYH9-Related Disease (MYH9-RD); MAY-HEGGLIN ANOMALY; BLEEDING DISORDER, PLATELET-TYPE, 6; SEBASTIAN PLATELET SYNDROME; MACROTHROMBOCYTOPENIA WITH DISPERSED LEUKOCYTIC INCLUSIONS; MACROTHROMBOCYTOPENIA, NEPHRITIS, AND DEAFNESS. Identifiers: Orphanet 182050, MedGen C5200934, MONDO:0015912, OMIM 155100.
Autosomal dominant nonsyndromic hearing loss 17. Also called: Autosomal dominant nonsyndromic deafness 17; Deafness, autosomal dominant 17. Identifiers: Orphanet 90635, MedGen C1863659, MONDO:0011350, OMIM 603622.

Allele frequency attached by ClinVar (database versions not stated): gnomAD exomes 0.00001; gnomAD 0.00002; TOPMed 0.00003.

Submissions (4):

Labcorp Genetics (formerly Invitae), Labcorp
Classification: Likely benign. Last evaluated: 2025-09-04. Review status: criteria provided, single submitter. Criteria: Invitae Variant Classification Sherloc (09022015). Collection method: clinical testing. Allele origin: germline.

Ambry Genetics
Classification: Uncertain significance for Inborn genetic diseases. Last evaluated: 2024-12-06. Review status: criteria provided, single submitter. Criteria: Ambry Variant Classification Scheme 2023. Collection method: clinical testing. Allele origin: germline.

Fulgent Genetics
Classification: Uncertain significance for Macrothrombocytopenia and granulocyte inclusions with or without nephritis or sensorineural hearing loss; Autosomal dominant nonsyndromic hearing loss 17. Last evaluated: 2021-08-05. Review status: criteria provided, single submitter. Criteria: ACMG Guidelines, 2015. Collection method: clinical testing. Allele origin: unknown.

Laboratory for Molecular Medicine, Mass General Brigham Personalized Medicine
Classification: Uncertain significance. Last evaluated: 2018-05-18. Review status: criteria provided, single submitter. Criteria: LMM Criteria. Collection method: clinical testing. Allele origin: germline. Observed: 1 variant allele.
Comment: The p.Met1028Val variant in MYH9 has not been previously reported in individuals with hearing loss or MYH9-related disorder, but has been identified in 2/33582 Latino chromosomes by the Genome Aggregation Database (gnomAD; dbSNP rs1205000981). Computational prediction tools and conserv ation analysis do not provide strong support for or against an impact to the pro tein. In summary, the clinical significance of the p.Met1028Val variant is uncer tain. ACMG/AMP criteria applied: PM2.

NM_002473.6(MYH9):c.3082A>G (p.Met1028Val)

Gene: MYH9 (myosin heavy chain 9; minus strand). Cytogenetic location: 22q12.3.
Variant type: single nucleotide variant.
Coding change: c.3082A>G on transcript NM_002473.6 (MANE Select); coding-DNA position 3082, A replaced by G.
Protein change: p.Met1028Val; replaces methionine 1028 with valine.
Molecular consequence: missense variant.
Genome position (GRCh38, 1-based): chr22:36,298,937, T>C on the plus strand (A>G on the coding strand, the complement: MYH9 is on the minus strand). VCF-style: chr22-36298937-T-C. GRCh37 (hg19) VCF-style: chr22-36694983-T-C.
Other names: short protein forms M1028V.
Identifiers: ClinVar variation 666864 (VCV000666864.8), dbSNP rs1205000981, ClinGen allele CA411390792.
Genomic context (GRCh38, chr22:36,298,937, plus strand): 5'-CGCCAGCCCCTGCCCATCACCTCCTGCTCGTCACCCCCTCACCTTCCAAGTCAGTGATCA[T>C]TGCCTCATGCTTGTTCTTGAGCTTGGCGAGGCTCTTAGATTTCTCCTCCTCTTCTGTGAG-3'
Protein context (NP_002464.1, residues 1018-1038): LAKLKNKHEA[Met1028Val]ITDLEERLRR